The following is an entry in ClinVar:

NM_000548.5(TSC2):c.5347G>C (p.Glu1783Gln)

Gene: TSC2 (TSC complex subunit 2; plus strand). Cytogenetic location: 16p13.3.
Variant type: single nucleotide variant.
Coding change: c.5347G>C on transcript NM_000548.5 (MANE Select); coding-DNA position 5347, G replaced by C.
Protein change: p.Glu1783Gln; replaces glutamic acid 1783 with glutamine.
Molecular consequence: missense variant.
Genome position (GRCh38, 1-based): chr16:2,088,533, G>C. VCF-style: chr16-2088533-G-C. GRCh37 (hg19) VCF-style: chr16-2138534-G-C.
Other names: c.5146G>C, p.Glu1716Gln (NM_001077183.3); c.5269G>C, p.Glu1757Gln (NM_001406665.1); c.5239G>C, p.Glu1747Gln (NM_001406667.1); c.5236G>C, p.Glu1746Gln (NM_001406668.1); c.5167G>C, p.Glu1723Gln (NM_001406670.1); c.5137G>C, p.Glu1713Gln (NM_001406671.1); c.5134G>C, p.Glu1712Gln (NM_001406673.1); c.5131G>C, p.Glu1711Gln (NM_001406675.1); and 27 more; short protein forms E1583Q, E1668Q, E1680Q, E1710Q, E1716Q, E1727Q, E1269Q, E1291Q.
Identifiers: ClinVar variation 1746958 (VCV001746958.6), dbSNP rs777166275, ClinGen allele CA394315713.

ClinVar aggregate classification (germline): Conflicting classifications of pathogenicity. Review status: criteria provided, conflicting classifications (1 of 4 stars). 2 submissions from 2 submitters: Uncertain significance (1); Benign (1). Last evaluated 2024-08-02.

Conditions:
Tuberous sclerosis 2 (TSC2). Identifiers: Orphanet 805, MedGen C1860707, MONDO:0013199, OMIM 613254.
Hereditary cancer-predisposing syndrome. Also called: Neoplastic Syndromes, Hereditary; Tumor predisposition; Hereditary Cancer Syndrome; Hereditary neoplastic syndrome. Identifiers: Orphanet 140162, MedGen C0027672, MeSH D009386, MONDO:0015356.

Submissions (2):

Ambry Genetics
Classification: Uncertain significance for Hereditary cancer-predisposing syndrome. Last evaluated: 2024-08-02. Review status: criteria provided, single submitter. Criteria: Ambry Variant Classification Scheme 2023. Collection method: clinical testing. Allele origin: germline.
Comment: The p.E1783Q variant (also known as c.5347G>C), located in coding exon 41 of the TSC2 gene, results from a G to C substitution at nucleotide position 5347. The glutamic acid at codon 1783 is replaced by glutamine, an amino acid with highly similar properties. This amino acid position is not well conserved in available vertebrate species. In addition, the in silico prediction for this alteration is inconclusive. Based on the available evidence, the clinical significance of this variant remains unclear.

Labcorp Genetics (formerly Invitae), Labcorp
Classification: Benign for Tuberous sclerosis 2. Last evaluated: 2024-02-01. Review status: criteria provided, single submitter. Criteria: Invitae Variant Classification Sherloc (09022015). Collection method: clinical testing. Allele origin: germline.